The following is an entry in ClinVar:

ClinVar aggregate classification (germline): Uncertain significance. Review status: criteria provided, multiple submitters, no conflicts (2 of 4 stars). 2 submissions from 2 submitters: Uncertain significance (2). Last evaluated 2026-07-06.

Conditions:
Familial cancer of breast. Also called: BREAST CANCER, FAMILIAL; hereditary breast carcinoma; Hereditary breast cancer. Identifiers: Orphanet 227535, MedGen C0346153, MONDO:0016419, OMIM 114480. Disease mechanism: loss of function.
Hereditary cancer-predisposing syndrome. Also called: Neoplastic Syndromes, Hereditary; Hereditary Cancer Syndrome; Tumor predisposition; Hereditary neoplastic syndrome. Identifiers: Orphanet 140162, MedGen C0027672, MeSH D009386, MONDO:0015356.

Submissions (2):

Ambry Genetics
Classification: Uncertain significance for Hereditary cancer-predisposing syndrome. Last evaluated: 2026-07-06. Review status: criteria provided, single submitter. Criteria: Ambry Variant Classification Scheme 2023. Collection method: clinical testing. Allele origin: germline.
Comment: The p.L931F variant (also known as c.2791C>T), located in coding exon 8 of the PALB2 gene, results from a C to T substitution at nucleotide position 2791. The leucine at codon 931 is replaced by phenylalanine, an amino acid with highly similar properties. This amino acid position is highly conserved in available vertebrate species. In addition, this alteration is predicted to be tolerated by in silico analysis. Based on the available evidence, the clinical significance of this variant remains unclear.

Labcorp Genetics (formerly Invitae), Labcorp
Classification: Uncertain significance for Familial cancer of breast. Last evaluated: 2023-12-19. Review status: criteria provided, single submitter. Criteria: Invitae Variant Classification Sherloc (09022015). Collection method: clinical testing. Allele origin: germline.
Comment: This sequence change replaces leucine, which is neutral and non-polar, with phenylalanine, which is neutral and non-polar, at codon 931 of the PALB2 protein (p.Leu931Phe). This variant is not present in population databases (gnomAD no frequency). This variant has not been reported in the literature in individuals affected with PALB2-related conditions. ClinVar contains an entry for this variant (Variation ID: 410188). Advanced modeling of protein sequence and biophysical properties (such as structural, functional, and spatial information, amino acid conservation, physicochemical variation, residue mobility, and thermodynamic stability) performed at Invitae indicates that this missense variant is expected to disrupt PALB2 protein function with a positive predictive value of 80%. In summary, the available evidence is currently insufficient to determine the role of this variant in disease. Therefore, it has been classified as a Variant of Uncertain Significance.

NM_024675.4(PALB2):c.2791C>T (p.Leu931Phe)

Gene: PALB2 (partner and localizer of BRCA2; minus strand). Cytogenetic location: 16p12.2.
Variant type: single nucleotide variant.
Coding change: c.2791C>T on transcript NM_024675.4 (MANE Select); coding-DNA position 2791, C replaced by T.
Protein change: p.Leu931Phe; replaces leucine 931 with phenylalanine.
Molecular consequence: missense variant.
Genome position (GRCh38, 1-based): chr16:23,624,052, G>A on the plus strand (C>T on the coding strand, the complement: PALB2 is on the minus strand). VCF-style: chr16-23624052-G-A. GRCh37 (hg19) VCF-style: chr16-23635373-G-A.
Other names: short protein forms L931F.
Identifiers: ClinVar variation 410188 (VCV000410188.10), dbSNP rs1060502786, ClinGen allele CA16615081.
Genomic context (GRCh38, chr16:23,624,052, plus strand): 5'-CCTTGGGAATTACATACCTGATCTCTCTGATTTCCAAATTTCCCAAAGCTACACACACGA[G>A]ATTATACACATCAGGCACTGGAACTATCTGTAATACTGGAACCTAAATAAAACAAAGCAG-3'
Protein context (NP_078951.2, residues 921-941): QIVPVPDVYN[Leu931Phe]VCVALGNLEI